The following is an entry in ClinVar:

ClinVar aggregate classification (germline): Uncertain significance (1 of 4 stars; one submission).

Allele frequency attached by ClinVar (database versions not stated): gnomAD exomes below 0.00001.

Submission:

CeGaT Center for Human Genetics Tuebingen
Classification: Uncertain significance. Last evaluated: 2022-11-01. Review status: criteria provided, single submitter. Criteria: CeGaT Center For Human Genetics Tuebingen Variant Classification Criteria Version 2. Collection method: clinical testing. Allele origin: germline. Affected: yes. Observed: 1 variant allele.
Comment: MIB1: PM2, PP2

NM_020774.4(MIB1):c.694C>T (p.Pro232Ser)

Gene: MIB1 (MIB E3 ubiquitin protein ligase 1; plus strand). Cytogenetic location: 18q11.2.
Variant type: single nucleotide variant.
Coding change: c.694C>T on transcript NM_020774.4 (MANE Select); coding-DNA position 694, C replaced by T.
Protein change: p.Pro232Ser; replaces proline 232 with serine.
Molecular consequence: missense variant.
Genome position (GRCh38, 1-based): chr18:21,778,160, C>T. VCF-style: chr18-21778160-C-T. GRCh37 (hg19) VCF-style: chr18-19358121-C-T.
Other names: short protein forms P232S.
Identifiers: ClinVar variation 2648614 (VCV002648614.24), dbSNP rs1328856396, ClinGen allele CA401743310.
Genomic context (GRCh38, chr18:21,778,160, plus strand): 5'-TAGTCTGATCTGAAATGTGTCCAGGATGCCAAGGGAGGTTCTTTCTACAGAGATCACTGC[C>T]CTGTGCTAGGTGAGTGAGAAGATTAGAGAGTATTACTAAATAATGGGTCAGAGTTCGTGG-3'
Protein context (NP_065825.1, residues 222-242): KGGSFYRDHC[Pro232Ser]VLGEQNGNRN